The following is an entry in ClinVar:

NM_022124.6(CDH23):c.8561-1G>A

Gene: CDH23 (cadherin related 23; plus strand). Cytogenetic location: 10q22.1.
Variant type: single nucleotide variant.
Coding change: c.8561-1G>A on transcript NM_022124.6 (MANE Select); the canonical splice acceptor site of the intron before coding-DNA position 8561, G replaced by A.
Molecular consequence: splice acceptor variant.
Genome position (GRCh38, 1-based): chr10:71,807,845, G>A. VCF-style: chr10-71807845-G-A. GRCh37 (hg19) VCF-style: chr10-73567602-G-A.
Other names: c.1841-1G>A (NM_001171933.1, NM_001171934.1).
Identifiers: ClinVar variation 1499781 (VCV001499781.8), dbSNP rs2132990173, ClinGen allele CA377131919.

ClinVar aggregate classification (germline): Likely pathogenic (1 of 4 stars; one submission).

Submission:

Labcorp Genetics (formerly Invitae), Labcorp
Classification: Likely pathogenic. Last evaluated: 2022-08-20. Review status: criteria provided, single submitter. Criteria: Invitae Variant Classification Sherloc (09022015). Collection method: clinical testing. Allele origin: germline.
Comment: In summary, the currently available evidence indicates that the variant is pathogenic, but additional data are needed to prove that conclusively. Therefore, this variant has been classified as Likely Pathogenic. Algorithms developed to predict the effect of sequence changes on RNA splicing suggest that this variant may disrupt the consensus splice site. ClinVar contains an entry for this variant (Variation ID: 1499781). Disruption of this splice site has been observed in individual(s) with deafness (PMID: 32467589). This variant is not present in population databases (gnomAD no frequency). This sequence change affects an acceptor splice site in intron 59 of the CDH23 gene. It is expected to disrupt RNA splicing. Variants that disrupt the donor or acceptor splice site typically lead to a loss of protein function (PMID: 16199547), and loss-of-function variants in CDH23 are known to be pathogenic (PMID: 11138009, 21940737).

Literature cited by the submitters: PubMed 32467589; PubMed 16199547; PubMed 11138009; PubMed 21940737.